The following is an entry in ClinVar:

NM_014989.7(RIMS1):c.23G>A (p.Arg8His)

Gene: RIMS1 (regulating synaptic membrane exocytosis 1; plus strand). Cytogenetic location: 6q13.
Variant type: single nucleotide variant.
Coding change: c.23G>A on transcript NM_014989.7 (MANE Select); coding-DNA position 23, G replaced by A.
Protein change: p.Arg8His; replaces arginine 8 with histidine.
Molecular consequence: missense variant.
Genome position (GRCh38, 1-based): chr6:71,887,046, G>A. VCF-style: chr6-71887046-G-A. GRCh37 (hg19) VCF-style: chr6-72596749-G-A.
Other names: c.23G>A, p.Arg8His (NM_001350411.1, NM_001350412.1, NM_001350413.1); short protein forms R8H.
Identifiers: ClinVar variation 4763795 (VCV004763795.1).
Genomic context (GRCh38, chr6:71,887,046, plus strand): 5'-GCCAGAGAGCGAGCAGAGGGGGCGGGCAGGCCACGAAAATGTCCTCGGCCGTGGGGCCCC[G>A]CGGTCCTCGCCCACCCACGGTGCCTCCCCCCATGCAAGAGCTGCCCGACCTGAGCCACCT-3'
Protein context (NP_055804.2, residues 1-18): MSSAVGP[Arg8His]GPRPPTVPPP

ClinVar aggregate classification (germline): Uncertain significance (1 of 4 stars; one submission).

gnomAD v4.1: 1 of 1,613,374 alleles (0.000062%); highest among the groups gnomAD compares: Non-Finnish European, 0.000085%; no homozygotes.

Submission:

Labcorp Genetics (formerly Invitae), Labcorp
Classification: Uncertain significance. Last evaluated: 2025-04-11. Review status: criteria provided, single submitter. Criteria: Invitae Variant Classification Sherloc (09022015). Collection method: clinical testing. Allele origin: germline.
Comment: This sequence change replaces arginine, which is basic and polar, with histidine, which is basic and polar, at codon 8 of the RIMS1 protein (p.Arg8His). This variant is not present in population databases (gnomAD no frequency). This missense change has been observed in individual(s) with a neurodevelopmental disorder (PMID: 28191889). An algorithm developed to predict the effect of missense changes on protein structure and function (PolyPhen-2) suggests that this variant is likely to be disruptive. In summary, the available evidence is currently insufficient to determine the role of this variant in disease. Therefore, it has been classified as a Variant of Uncertain Significance.

Literature cited by the submitters: PubMed 28191889.